The following is an entry in ClinVar:

NM_000355.4(TCN2):c.926G>A (p.Cys309Tyr)

Gene: TCN2 (transcobalamin 2; plus strand). Cytogenetic location: 22q12.2.
Variant type: single nucleotide variant.
Coding change: c.926G>A on transcript NM_000355.4 (MANE Select); coding-DNA position 926, G replaced by A.
Protein change: p.Cys309Tyr; replaces cysteine 309 with tyrosine.
Molecular consequence: missense variant.
Genome position (GRCh38, 1-based): chr22:30,615,773, G>A. VCF-style: chr22-30615773-G-A. GRCh37 (hg19) VCF-style: chr22-31011760-G-A.
Other names: c.845G>A, p.Cys282Tyr (NM_001184726.2); short protein forms C309Y, C282Y.
Identifiers: ClinVar variation 846838 (VCV000846838.8), dbSNP rs1396153308, ClinGen allele CA411213775.
Genomic context (GRCh38, chr22:30,615,773, plus strand): 5'-TTTCCCAGCTGCTGCCCGTTCTGAACCACAAGACCTACATTGATCTGATCTTCCCAGACT[G>A]TCTGGCACCACGAGGTAGCCCAACTTTTTGTGGAAGCACAGCCCTTTACAATCTGCTGCG-3'
Protein context (NP_000346.2, residues 299-319): KTYIDLIFPD[Cys309Tyr]LAPRVMLEPA

ClinVar aggregate classification (germline): Uncertain significance. Review status: criteria provided, multiple submitters, no conflicts (2 of 4 stars). 2 submissions from 2 submitters: Uncertain significance (2). Last evaluated 2022-08-23.

Conditions:
Transcobalamin II deficiency (TCN2D). Also called: Transcolabamin II deficiency; TC II DEFICIENCY; TCN2 DEFICIENCY. Identifiers: Orphanet 859, MedGen C0342701, MONDO:0010149, OMIM 275350.

Allele frequency attached by ClinVar (database versions not stated): TOPMed below 0.00001.
gnomAD v4.1: 7 of 1,614,186 alleles (0.00043%); highest among the groups gnomAD compares: Middle Eastern, 0.016%; no homozygotes.

Submissions (2):

Labcorp Genetics (formerly Invitae), Labcorp
Classification: Uncertain significance for Transcobalamin II deficiency. Last evaluated: 2022-08-23. Review status: criteria provided, single submitter. Criteria: Invitae Variant Classification Sherloc (09022015). Collection method: clinical testing. Allele origin: germline.
Comment: This sequence change replaces cysteine, which is neutral and slightly polar, with tyrosine, which is neutral and polar, at codon 309 of the TCN2 protein (p.Cys309Tyr). This variant is present in population databases (no rsID available, gnomAD 0.006%). This variant has not been reported in the literature in individuals affected with TCN2-related conditions. ClinVar contains an entry for this variant (Variation ID: 846838). Algorithms developed to predict the effect of missense changes on protein structure and function (SIFT, PolyPhen-2, Align-GVGD) all suggest that this variant is likely to be disruptive. In summary, the available evidence is currently insufficient to determine the role of this variant in disease. Therefore, it has been classified as a Variant of Uncertain Significance.

Blueprint Genetics
Classification: Uncertain significance. Last evaluated: 2020-09-10. Review status: criteria provided, single submitter. Criteria: ACMG Guidelines, 2015. Collection method: clinical testing. Allele origin: germline.